The following is an entry in ClinVar:

ClinVar aggregate classification (germline): Uncertain significance. Review status: criteria provided, multiple submitters, no conflicts (2 of 4 stars). 2 submissions from 2 submitters: Uncertain significance (2). Last evaluated 2021-09-15.

Conditions:
Methylcobalamin deficiency type cblE (HMAE). Also called: HOMOCYSTINURIA-MEGALOBLASTIC ANEMIA, cblE COMPLEMENTATION TYPE; VITAMIN B12-RESPONSIVE HOMOCYSTINURIA, cblE TYPE; HOMOCYSTINURIA-MEGALOBLASTIC ANEMIA, cblE TYPE. Identifiers: Orphanet 2169, Orphanet 622, MedGen C1856057, MONDO:0009354, OMIM 236270.
Disorders of Intracellular Cobalamin Metabolism. Identifiers: MedGen CN043592.

Allele frequency attached by ClinVar (database versions not stated): gnomAD below 0.00001 and 0.00004; TOPMed below 0.00001; gnomAD exomes 0.00011 and 0.00022; ExAC 0.00026.
gnomAD v4.1: 169 of 1,614,112 alleles (0.01%); highest among the groups gnomAD compares: South Asian, 0.18%; 1 homozygote.

Submissions (2):

Labcorp Genetics (formerly Invitae), Labcorp
Classification: Uncertain significance for Methylcobalamin deficiency type cblE. Last evaluated: 2021-09-15. Review status: criteria provided, single submitter. Criteria: Invitae Variant Classification Sherloc (09022015). Collection method: clinical testing. Allele origin: germline.
Comment: This sequence change replaces serine with phenylalanine at codon 239 of the MTRR protein (p.Ser239Phe). The serine residue is weakly conserved and there is a large physicochemical difference between serine and phenylalanine. This variant is present in population databases (rs371860776, ExAC 0.2%). This variant has not been reported in the literature in individuals affected with MTRR-related conditions. Algorithms developed to predict the effect of missense changes on protein structure and function are either unavailable or do not agree on the potential impact of this missense change (SIFT: "Deleterious"; PolyPhen-2: "Benign"; Align-GVGD: "Class C0"). In summary, the available evidence is currently insufficient to determine the role of this variant in disease. Therefore, it has been classified as a Variant of Uncertain Significance.

Illumina Laboratory Services, Illumina
Classification: Uncertain significance for Disorders of Intracellular Cobalamin Metabolism. Last evaluated: 2018-01-13. Review status: criteria provided, single submitter. Criteria: ICSL Variant Classification Criteria 13 December 2019. Collection method: clinical testing. Allele origin: germline.

NM_002454.3(MTRR):c.716C>T (p.Ser239Phe)

Gene: MTRR (5-methyltetrahydrofolate-homocysteine methyltransferase reductase; plus strand). Cytogenetic location: 5p15.31.
Variant type: single nucleotide variant.
Coding change: c.716C>T on transcript NM_002454.3 (MANE Select); coding-DNA position 716, C replaced by T.
Protein change: p.Ser239Phe; replaces serine 239 with phenylalanine.
Molecular consequence: missense variant. On other transcripts: non-coding transcript variant (14).
Genome position (GRCh38, 1-based): chr5:7,878,258, C>T. VCF-style: chr5-7878258-C-T. GRCh37 (hg19) VCF-style: chr5-7878371-C-T.
Other names: c.716C>T, p.Ser239Phe (NM_001364440.2, NM_001364441.2, NM_001364442.2 and 1 more transcripts); short protein forms S239F.
Identifiers: ClinVar variation 906968 (VCV000906968.5), dbSNP rs371860776, ClinGen allele CA3195673.
Genomic context (GRCh38, chr5:7,878,258, plus strand): 5'-TTGTAATTGAAGACTTTGAGTCCTCACTTACCCGTTCGGTACCCCCACTCTCACAAGCCT[C>T]TCTGAATATTCCTGGTTTACCCCCAGAATATTTACAGGTACATCTGCAGGAGTCTCTTGG-3'
Protein context (NP_002445.2, residues 229-249): TRSVPPLSQA[Ser239Phe]LNIPGLPPEY